The following is an entry in ClinVar:

NM_000195.5(HPS1):c.768+2T>C

Gene: HPS1 (HPS1 biogenesis of lysosomal organelles complex 3 subunit 1; minus strand). Cytogenetic location: 10q24.2.
Variant type: single nucleotide variant.
Coding change: c.768+2T>C on transcript NM_000195.5 (MANE Select); the canonical splice donor site of the intron after coding-DNA position 768, T replaced by C.
Molecular consequence: splice donor variant.
Genome position (GRCh38, 1-based): chr10:98,430,569, A>G on the plus strand (T>C on the coding strand, the complement: HPS1 is on the minus strand). VCF-style: chr10-98430569-A-G. GRCh37 (hg19) VCF-style: chr10-100190326-A-G.
Other names: c.399+2T>C (NM_001322483.2, NM_001322485.2, NM_001322484.2); c.507+2T>C (NM_001322480.2, NM_001322482.2, NM_001322481.2); c.768+2T>C (NM_001322478.2, NM_001322476.2, NM_001322479.2 and 3 more transcripts); c.-106+2T>C (NM_001322489.2, NM_001311345.2); c.-205+2T>C (NM_001322487.2); c.650+2T>C (NM_001322492.2, NM_001322490.2).
Identifiers: ClinVar variation 1483698 (VCV001483698.8), dbSNP rs2136205876, ClinGen allele CA378051848.

ClinVar aggregate classification (germline): Likely pathogenic (1 of 4 stars; one submission).

Submission:

Labcorp Genetics (formerly Invitae), Labcorp
Classification: Likely pathogenic. Last evaluated: 2021-04-06. Review status: criteria provided, single submitter. Criteria: Invitae Variant Classification Sherloc (09022015). Collection method: clinical testing. Allele origin: germline.
Comment: In summary, the currently available evidence indicates that the variant is pathogenic, but additional data are needed to prove that conclusively. Therefore, this variant has been classified as Likely Pathogenic. This variant has not been reported in the literature in individuals with HPS1-related conditions. This variant is not present in population databases (ExAC no frequency). This sequence change affects a donor splice site in intron 8 of the HPS1 gene. It is expected to disrupt RNA splicing. Variants that disrupt the donor or acceptor splice site typically lead to a loss of protein function (PMID: 16199547), and loss-of-function variants in HPS1 are known to be pathogenic (PMID: 12442288, 16185271).

Literature cited by the submitters: PubMed 16199547; PubMed 12442288; PubMed 16185271.